The following is an entry in ClinVar:

ClinVar aggregate classification (germline): Uncertain significance. Review status: criteria provided, multiple submitters, no conflicts (2 of 4 stars). 3 submissions from 3 submitters: Uncertain significance (3). Last evaluated 2024-12-20.

Conditions:
Inborn genetic diseases. Identifiers: MedGen C0950123, MeSH D030342.
Monocytopenia with susceptibility to infections. Also called: Dendritic cell, monocyte, B lymphocyte, and natural killer lymphocyte deficiency; GATA2 DEFICIENCY; MONOCYTOPENIA AND MYCOBACTERIAL INFECTION SYNDROME; MONOCYTOPENIA WITH SUSCEPTIBILITY TO MYCOBACTERIAL, FUNGAL, AND PAPILLOMAVIRUS INFECTIONS AND MYELODYSPLASIA; COMBINED IMMUNODEFICIENCY WITH SUSCEPTIBILITY TO MYCOBACTERIAL, VIRAL, AND FUNGAL INFECTIONS; IMMUNODEFICIENCY 21. Identifiers: Orphanet 228423, MedGen C3280030, MONDO:0013607, OMIM 614172.
Deafness-lymphedema-leukemia syndrome. Also called: Lymphedema, primary, with myelodysplasia; Emberger syndrome. Identifiers: Orphanet 3226, MedGen C3279664, MONDO:0013540, OMIM 614038.

gnomAD v4.1: 3 of 1,614,234 alleles (0.00019%); highest among the groups gnomAD compares: Middle Eastern, 0.016%; no homozygotes.

Submissions (3):

Ambry Genetics
Classification: Uncertain significance for Inborn genetic diseases. Last evaluated: 2024-12-20. Review status: criteria provided, single submitter. Criteria: Ambry Variant Classification Scheme 2023. Collection method: clinical testing. Allele origin: germline.
Comment: The p.C413Y variant (also known as c.1238G>A), located in coding exon 5 of the GATA2 gene, results from a G to A substitution at nucleotide position 1238. The cysteine at codon 413 is replaced by tyrosine, an amino acid with highly dissimilar properties. This amino acid position is not well conserved in available vertebrate species. In addition, the in silico prediction for this alteration is inconclusive. Based on the available evidence, the clinical significance of this variant remains unclear.

Labcorp Genetics (formerly Invitae), Labcorp
Classification: Uncertain significance for Monocytopenia with susceptibility to infections; Deafness-lymphedema-leukemia syndrome. Last evaluated: 2024-08-26. Review status: criteria provided, single submitter. Criteria: Invitae Variant Classification Sherloc (09022015). Collection method: clinical testing. Allele origin: germline.
Comment: This sequence change replaces cysteine, which is neutral and slightly polar, with tyrosine, which is neutral and polar, at codon 413 of the GATA2 protein (p.Cys413Tyr). This variant is not present in population databases (gnomAD no frequency). This variant has not been reported in the literature in individuals affected with GATA2-related conditions. ClinVar contains an entry for this variant (Variation ID: 641241). Invitae Evidence Modeling of protein sequence and biophysical properties (such as structural, functional, and spatial information, amino acid conservation, physicochemical variation, residue mobility, and thermodynamic stability) indicates that this missense variant is not expected to disrupt GATA2 protein function with a negative predictive value of 95%. In summary, the available evidence is currently insufficient to determine the role of this variant in disease. Therefore, it has been classified as a Variant of Uncertain Significance.

Breakthrough Genomics
Classification: Uncertain significance. Review status: criteria provided, single submitter. Criteria: ACMG Guidelines, 2015. Collection method: not provided. Allele origin: germline. Inheritance: Autosomal dominant inheritance. Affected: yes.

NM_032638.5(GATA2):c.1238G>A (p.Cys413Tyr)

Gene: GATA2 (GATA binding protein 2; minus strand). Cytogenetic location: 3q21.3.
Variant type: single nucleotide variant.
Coding change: c.1238G>A on transcript NM_032638.5 (MANE Select); coding-DNA position 1238, G replaced by A.
Protein change: p.Cys413Tyr; replaces cysteine 413 with tyrosine.
Molecular consequence: missense variant.
Genome position (GRCh38, 1-based): chr3:128,481,224, C>T on the plus strand (G>A on the coding strand, the complement: GATA2 is on the minus strand). VCF-style: chr3-128481224-C-T. GRCh37 (hg19) VCF-style: chr3-128200067-C-T.
Other names: c.1238G>A, p.Cys413Tyr (NM_001145661.2); c.1196G>A, p.Cys399Tyr (NM_001145662.1); short protein forms C413Y, C399Y.
Identifiers: ClinVar variation 641241 (VCV000641241.8), dbSNP rs1283468852, ClinGen allele CA354413030.